The following is an entry in ClinVar:

ClinVar aggregate classification (germline): Uncertain significance. Review status: criteria provided, multiple submitters, no conflicts (2 of 4 stars). 2 submissions from 2 submitters: Uncertain significance (2). Last evaluated 2023-08-15.

Conditions:
Hyperphosphatasia with impaired intellectual development syndrome 2. Also called: Hyperphosphatasia with intellectual disability syndrome 2; GLYCOSYLPHOSPHATIDYLINOSITOL BIOSYNTHESIS DEFECT 6. Identifiers: Orphanet 247262, MedGen C3553637, MONDO:0013882, OMIM 614749.

Allele frequency attached by ClinVar (database versions not stated): gnomAD below 0.00001 and 0.00001; gnomAD exomes 0.00003 and 0.00002; 1000 Genomes Project 0.00020; TOPMed below 0.00001; ExAC 0.00004; 1000 Genomes Project 30x 0.00016.
gnomAD v4.1: 26 of 1,614,226 alleles (0.0016%); highest among the groups gnomAD compares: South Asian, 0.022%; no homozygotes.

Submissions (2):

Blueprint Genetics
Classification: Uncertain significance. Last evaluated: 2023-08-15. Review status: criteria provided, single submitter. Criteria: ACMG Guidelines, 2015. Collection method: clinical testing. Allele origin: germline.

Labcorp Genetics (formerly Invitae), Labcorp
Classification: Uncertain significance for Hyperphosphatasia with impaired intellectual development syndrome 2. Last evaluated: 2021-10-21. Review status: criteria provided, single submitter. Criteria: Invitae Variant Classification Sherloc (09022015). Collection method: clinical testing. Allele origin: germline.
Comment: In summary, the available evidence is currently insufficient to determine the role of this variant in disease. Therefore, it has been classified as a Variant of Uncertain Significance. Algorithms developed to predict the effect of missense changes on protein structure and function output the following: SIFT: "Tolerated"; PolyPhen-2: "Possibly Damaging"; Align-GVGD: "Class C0". The lysine amino acid residue is found in multiple mammalian species, which suggests that this missense change does not adversely affect protein function. This variant has not been reported in the literature in individuals affected with PIGO-related conditions. This variant is present in population databases (rs550176742, ExAC 0.03%). This sequence change replaces glutamic acid with lysine at codon 987 of the PIGO protein (p.Glu987Lys). The glutamic acid residue is moderately conserved and there is a small physicochemical difference between glutamic acid and lysine.

NM_032634.4(PIGO):c.2959G>A (p.Glu987Lys)

Gene: PIGO (phosphatidylinositol glycan anchor biosynthesis class O; minus strand). Cytogenetic location: 9p13.3.
Variant type: single nucleotide variant.
Coding change: c.2959G>A on transcript NM_032634.4 (MANE Select); coding-DNA position 2959, G replaced by A.
Protein change: p.Glu987Lys; replaces glutamic acid 987 with lysine.
Molecular consequence: missense variant.
Genome position (GRCh38, 1-based): chr9:35,090,176, C>T on the plus strand (G>A on the coding strand, the complement: PIGO is on the minus strand). VCF-style: chr9-35090176-C-T. GRCh37 (hg19) VCF-style: chr9-35090173-C-T.
Other names: c.1708G>A, p.Glu570Lys (NM_001201484.2, NM_152850.4); short protein forms E570K, E987K.
Identifiers: ClinVar variation 1009049 (VCV001009049.8), dbSNP rs550176742, ClinGen allele CA5040292.